The following is an entry in ClinVar:

NM_005334.3(HCFC1):c.2287C>T (p.Pro763Ser)

Gene: HCFC1 (host cell factor C1; minus strand). Cytogenetic location: Xq28.
Variant type: single nucleotide variant.
Coding change: c.2287C>T on transcript NM_005334.3 (MANE Select); coding-DNA position 2287, C replaced by T.
Protein change: p.Pro763Ser; replaces proline 763 with serine.
Molecular consequence: missense variant.
Genome position (GRCh38, 1-based): chrX:153,957,380, G>A on the plus strand (C>T on the coding strand, the complement: HCFC1 is on the minus strand). VCF-style: chrX-153957380-G-A. GRCh37 (hg19) VCF-style: chrX-153222831-G-A.
Other names: c.2287C>T, p.Pro763Ser (NM_001410705.1); short protein forms P763S.
Identifiers: ClinVar variation 2912173 (VCV002912173.3), dbSNP rs782341890, ClinGen allele CA10557361.

ClinVar aggregate classification (germline): Uncertain significance (1 of 4 stars; one submission).

Conditions:
Methylmalonic acidemia with homocystinuria, type cblX (MAHCX). Also called: INTELLECTUAL DEVELOPMENTAL DISORDER, X-LINKED 3. Identifiers: Orphanet 369962, MedGen C0796208, MONDO:0010657, OMIM 309541.

Allele frequency attached by ClinVar (database versions not stated): ExAC 0.00001; gnomAD 0.00002; TOPMed 0.00002; gnomAD exomes 0.00004.
gnomAD v4.1: 48 of 1,206,607 alleles (0.004%); highest among the groups gnomAD compares: Non-Finnish European, 0.0053%; no homozygotes.

Submission:

Labcorp Genetics (formerly Invitae), Labcorp
Classification: Uncertain significance for Methylmalonic acidemia with homocystinuria, type cblX. Last evaluated: 2025-01-06. Review status: criteria provided, single submitter. Criteria: Invitae Variant Classification Sherloc (09022015). Collection method: clinical testing. Allele origin: germline.
Comment: This sequence change replaces proline, which is neutral and non-polar, with serine, which is neutral and polar, at codon 763 of the HCFC1 protein (p.Pro763Ser). This variant is present in population databases (rs782341890, gnomAD 0.003%). This variant has not been reported in the literature in individuals affected with HCFC1-related conditions. ClinVar contains an entry for this variant (Variation ID: 2912173). An algorithm developed to predict the effect of missense changes on protein structure and function (PolyPhen-2) suggests that this variant is likely to be disruptive. In summary, the available evidence is currently insufficient to determine the role of this variant in disease. Therefore, it has been classified as a Variant of Uncertain Significance.